The following is an entry in ClinVar:

ClinVar aggregate classification (germline): Uncertain significance (1 of 4 stars; one submission).

Submission:

Labcorp Genetics (formerly Invitae), Labcorp
Classification: Uncertain significance. Last evaluated: 2022-03-16. Review status: criteria provided, single submitter. Criteria: Invitae Variant Classification Sherloc (09022015). Collection method: clinical testing. Allele origin: germline.
Comment: This sequence change replaces isoleucine, which is neutral and non-polar, with serine, which is neutral and polar, at codon 203 of the COL7A1 protein (p.Ile203Ser). This variant is not present in population databases (gnomAD no frequency). This variant has not been reported in the literature in individuals affected with COL7A1-related conditions. Algorithms developed to predict the effect of missense changes on protein structure and function are either unavailable or do not agree on the potential impact of this missense change (SIFT: "Deleterious"; PolyPhen-2: "Not Available"; Align-GVGD: "Class C0"). Algorithms developed to predict the effect of sequence changes on RNA splicing suggest that this variant may create or strengthen a splice site. In summary, the available evidence is currently insufficient to determine the role of this variant in disease. Therefore, it has been classified as a Variant of Uncertain Significance.

NM_000094.4(COL7A1):c.608T>G (p.Ile203Ser)

Gene: COL7A1 (collagen type VII alpha 1 chain; minus strand). Cytogenetic location: 3p21.31.
Variant type: single nucleotide variant.
Coding change: c.608T>G on transcript NM_000094.4 (MANE Select); coding-DNA position 608, T replaced by G.
Protein change: p.Ile203Ser; replaces isoleucine 203 with serine.
Molecular consequence: missense variant.
Genome position (GRCh38, 1-based): chr3:48,593,176, A>C on the plus strand (T>G on the coding strand, the complement: COL7A1 is on the minus strand). VCF-style: chr3-48593176-A-C. GRCh37 (hg19) VCF-style: chr3-48630609-A-C.
Other names: short protein forms I203S.
Identifiers: ClinVar variation 2112957 (VCV002112957.1), dbSNP rs1046869271, ClinGen allele CA352743365.